The following is an entry in ClinVar:

NM_031433.4(MFRP):c.1258C>G (p.Pro420Ala)

Genes: C1QTNF5 (C1q and TNF related 5; minus strand), MFRP (membrane frizzled-related protein; minus strand). Cytogenetic location: 11q23.3.
Variant type: single nucleotide variant.
Coding change: c.1258C>G on transcript NM_031433.4 (MANE Select); coding-DNA position 1258, C replaced by G.
Protein change: p.Pro420Ala; replaces proline 420 with alanine.
Molecular consequence: missense variant. On other transcripts: 5 prime UTR variant (1).
Genome position (GRCh38, 1-based): chr11:119,342,725, G>C on the plus strand (C>G on the coding strand, the complement: MFRP is on the minus strand). VCF-style: chr11-119342725-G-C. GRCh37 (hg19) VCF-style: chr11-119213435-G-C.
Other names: c.-1379C>G (NM_015645.5); short protein forms P420A.
Identifiers: ClinVar variation 1060200 (VCV001060200.7), dbSNP rs767917702, ClinGen allele CA6320160.

ClinVar aggregate classification (germline): Uncertain significance. Review status: criteria provided, multiple submitters, no conflicts (2 of 4 stars). 3 submissions from 3 submitters: Uncertain significance (3). Last evaluated 2023-01-01.

Conditions:
Retinal dystrophy. Also called: Inherited retinal dystrophy. Identifiers: Orphanet 71862, MedGen C0854723, MeSH D058499, MONDO:0019118, HP:0000556.
Isolated microphthalmia 5. Also called: Posterior Microphthalmia with Retinitis Pigmentosa, Foveoschisis, and Optic Disc Drusen. Identifiers: Orphanet 251279, MedGen C1970236, MONDO:0012605, OMIM 611040.

Allele frequency attached by ClinVar (database versions not stated): TOPMed 0.00007; gnomAD 0.00006 and 0.00007; gnomAD exomes 0.00007; ExAC 0.00009.
gnomAD v4.1: 144 of 1,613,392 alleles (0.0089%); highest among the groups gnomAD compares: Non-Finnish European, 0.011%; no homozygotes.

Submissions (3):

Institute of Human Genetics, Univ. Regensburg, Univ. Regensburg
Classification: Uncertain significance for Retinal dystrophy. Last evaluated: 2023-01-01. Review status: criteria provided, single submitter. Criteria: ACMG Guidelines, 2015. Collection method: clinical testing. Allele origin: germline. Affected: yes.

Labcorp Genetics (formerly Invitae), Labcorp
Classification: Uncertain significance for Isolated microphthalmia 5. Last evaluated: 2022-07-06. Review status: criteria provided, single submitter. Criteria: Invitae Variant Classification Sherloc (09022015). Collection method: clinical testing. Allele origin: germline.
Comment: This sequence change replaces proline, which is neutral and non-polar, with alanine, which is neutral and non-polar, at codon 420 of the MFRP protein (p.Pro420Ala). This variant is present in population databases (rs767917702, gnomAD 0.01%). This variant has not been reported in the literature in individuals affected with MFRP-related conditions. ClinVar contains an entry for this variant (Variation ID: 1060200). Algorithms developed to predict the effect of missense changes on protein structure and function (SIFT, PolyPhen-2, Align-GVGD) all suggest that this variant is likely to be tolerated. In summary, the available evidence is currently insufficient to determine the role of this variant in disease. Therefore, it has been classified as a Variant of Uncertain Significance.

Blueprint Genetics
Classification: Uncertain significance. Last evaluated: 2021-09-19. Review status: criteria provided, single submitter. Criteria: ACMG Guidelines, 2015. Collection method: clinical testing. Allele origin: germline.

Literature cited by the submitters: PubMed 32483926 (cited by Institute of Human Genetics, Univ. Regensburg, Univ. Regensburg).